The following is an entry in ClinVar:

ClinVar aggregate classification (germline): Uncertain significance (1 of 4 stars; one submission).

Conditions:
Hereditary cancer-predisposing syndrome. Also called: Hereditary neoplastic syndrome; Neoplastic Syndromes, Hereditary; Tumor predisposition; Hereditary Cancer Syndrome. Identifiers: Orphanet 140162, MedGen C0027672, MeSH D009386, MONDO:0015356.

Submission:

Ambry Genetics
Classification: Uncertain significance for Hereditary cancer-predisposing syndrome. Last evaluated: 2025-07-10. Review status: criteria provided, single submitter. Criteria: Ambry Variant Classification Scheme 2023. Collection method: clinical testing. Allele origin: germline.
Comment: The p.G1299R variant (also known as c.3895G>C), located in coding exon 23 of the PTCH1 gene, results from a G to C substitution at nucleotide position 3895. The glycine at codon 1299 is replaced by arginine, an amino acid with dissimilar properties. This amino acid position is conserved. In addition, this alteration is predicted to be tolerated by in silico analysis. Based on the available evidence, the clinical significance of this variant remains unclear.

NM_000264.5(PTCH1):c.3895G>C (p.Gly1299Arg)

Gene: PTCH1 (patched 1; minus strand). Cytogenetic location: 9q22.32.
Variant type: single nucleotide variant.
Coding change: c.3895G>C on transcript NM_000264.5 (MANE Select); coding-DNA position 3895, G replaced by C.
Protein change: p.Gly1299Arg; replaces glycine 1299 with arginine.
Molecular consequence: missense variant. On other transcripts: non-coding transcript variant (1).
Genome position (GRCh38, 1-based): chr9:95,447,361, C>G on the plus strand (G>C on the coding strand, the complement: PTCH1 is on the minus strand). VCF-style: chr9-95447361-C-G. GRCh37 (hg19) VCF-style: chr9-98209643-C-G.
Other names: c.3697G>C, p.Gly1233Arg (NM_001083602.3); c.3892G>C, p.Gly1298Arg (NM_001083603.3); c.3442G>C, p.Gly1148Arg (NM_001083604.3, NM_001083605.3, NM_001083606.3 and 1 more transcripts); c.3739G>C, p.Gly1247Arg (NM_001354918.2); short protein forms G1148R, G1233R, G1247R, G1298R, G1299R.
Identifiers: ClinVar variation 4146861 (VCV004146861.1).